The following is an entry in ClinVar:

ClinVar aggregate classification (germline): Uncertain significance (1 of 4 stars; one submission).

Conditions:
Inflammatory bowel disease 28. Also called: Inflammatory bowel disease 28, early onset, autosomal recessive. Identifiers: Orphanet 238569, MedGen C2751053, MONDO:0013153, OMIM 613148.

Allele frequency attached by ClinVar (database versions not stated): gnomAD 0.00001; TOPMed 0.00002.

Submission:

Labcorp Genetics (formerly Invitae), Labcorp
Classification: Uncertain significance for Inflammatory bowel disease 28. Last evaluated: 2021-08-31. Review status: criteria provided, single submitter. Criteria: Invitae Variant Classification Sherloc (09022015). Collection method: clinical testing. Allele origin: germline.
Comment: This sequence change replaces alanine with threonine at codon 210 of the IL10RA protein (p.Ala210Thr). The alanine residue is weakly conserved and there is a small physicochemical difference between alanine and threonine. This variant is present in population databases (rs779757879, ExAC 0.004%). This variant has not been reported in the literature in individuals affected with IL10RA-related conditions. Algorithms developed to predict the effect of missense changes on protein structure and function output the following: SIFT: "Tolerated"; PolyPhen-2: "Benign"; Align-GVGD: "Class C0". The threonine amino acid residue is found in multiple mammalian species, which suggests that this missense change does not adversely affect protein function. In summary, the available evidence is currently insufficient to determine the role of this variant in disease. Therefore, it has been classified as a Variant of Uncertain Significance.

NM_001558.4(IL10RA):c.628G>A (p.Ala210Thr)

Gene: IL10RA (interleukin 10 receptor subunit alpha; plus strand). Cytogenetic location: 11q23.3.
Variant type: single nucleotide variant.
Coding change: c.628G>A on transcript NM_001558.4 (MANE Select); coding-DNA position 628, G replaced by A.
Protein change: p.Ala210Thr; replaces alanine 210 with threonine.
Molecular consequence: missense variant. On other transcripts: non-coding transcript variant (1).
Genome position (GRCh38, 1-based): chr11:117,994,089, G>A. VCF-style: chr11-117994089-G-A. GRCh37 (hg19) VCF-style: chr11-117864804-G-A.
Other names: short protein forms A210T.
Identifiers: ClinVar variation 648446 (VCV000648446.8), dbSNP rs779757879, ClinGen allele CA6298994.